The following is an entry in ClinVar:

ClinVar aggregate classification (germline): Pathogenic (1 of 4 stars; one submission).

Conditions:
Familial hemophagocytic lymphohistiocytosis 3 (FHL3). Also called: UNC13D-Related Familial Hemophagocytic Lymphohistiocytosis (UNC13D-fHLH). Identifiers: Orphanet 540, MedGen C1837174, MONDO:0012146, OMIM 608898.

Submission:

Labcorp Genetics (formerly Invitae), Labcorp
Classification: Pathogenic for Familial hemophagocytic lymphohistiocytosis 3. Last evaluated: 2017-10-26. Review status: criteria provided, single submitter. Criteria: Invitae Variant Classification Sherloc (09022015). Collection method: clinical testing. Allele origin: germline.
Comment: For these reasons, this variant has been classified as Pathogenic. Loss-of-function variants in UNC13D are known to be pathogenic (PMID: 14622600). This variant has not been reported in the literature in individuals with UNC13D-related disease. This variant is not present in population databases (ExAC no frequency). This sequence change creates a premature translational stop signal (p.Tyr1006Glyfs*20) in the UNC13D gene. It is expected to result in an absent or disrupted protein product.

Literature cited by the submitters: PubMed 14622600.

NM_199242.3(UNC13D):c.3011_3014dup (p.Tyr1006fs)

Gene: UNC13D (unc-13 homolog D; minus strand). Cytogenetic location: 17q25.1.
Variant type: Duplication.
Coding change: c.3011_3014dup on transcript NM_199242.3 (MANE Select); coding-DNA positions 3011 to 3014, 4 bases duplicated (TGGA; older notation c.3011_3014dupTGGA).
Protein change: p.Tyr1006fs; shifts the reading frame from tyrosine 1006.
Molecular consequence: frameshift variant.
Genome position (GRCh38, 1-based): chr17:75,828,924-75,828,927, TCCA duplicated on the plus strand (TGGA on the coding strand, the reverse complement: UNC13D is on the minus strand). VCF-style (leftmost placement, unchanged base first): chr17-75828923-G-GTCCA. GRCh37 (hg19) VCF-style: chr17-73825004-G-GTCCA.
Other names: c.3011_3014dupTGGA (NM_199242.2); short protein forms Y1006fs.
Identifiers: ClinVar variation 569875 (VCV000569875.6), dbSNP rs1567816070, ClinGen allele CA891844084.
Genomic context (GRCh38, chr17:75,828,923, plus strand): 5'-CACCTCACGCAGCGGCAGGAAGGCCTCGCCTTCCAGGTCGTCGGCCCCCAGCGTGTCGTA[G>GTCCA]TCCAGCACGGTGAGCAGGAGGCATGCCCCAGCCTTGCGGCACGGCTCAGCAGGCACCAGG-3'